The following is an entry in ClinVar:

NM_181784.3(SPRED2):c.588+14del

Gene: SPRED2 (sprouty related EVH1 domain containing 2; minus strand). Cytogenetic location: 2p14.
Variant type: Deletion.
Coding change: c.588+14del on transcript NM_181784.3 (MANE Select); 14 bases into the intron after coding-DNA position 588, one base deleted (C; older notation c.588+14delC).
Molecular consequence: intron variant.
Genome position (GRCh38, 1-based): chr2:65,316,720, G deleted on the plus strand (C on the coding strand, the reverse complement: SPRED2 is on the minus strand); the first of 3 consecutive G bases (chr2:65,316,720-65,316,722); deleting any one gives the same sequence. VCF-style (leftmost placement, unchanged base first): chr2-65316719-AG-A. GRCh37 (hg19) VCF-style: chr2-65543853-AG-A.
Other names: c.579+14del (NM_001128210.2); c.588+14delC (NM_181784.3).
Identifiers: ClinVar variation 4887497 (VCV004887497.1).
Genomic context (GRCh38, chr2:65,316,719, plus strand): 5'-TAGGAGGGGAAAGAGGCCATTCCAGAATCAGAGGCACCACCCTGATGCCCTCAGAGGAAC[AG>A]GGCTGCTGCTCACCTGATCGAGGTGATAGTGGTCTGTGGGGTATGAGTCGTGGAGGTGGC-3'

ClinVar aggregate classification (germline): Benign (1 of 4 stars; one submission).

Submission:

Women's Health and Genetics/Laboratory Corporation of America, LabCorp
Classification: Benign. Last evaluated: 2026-06-05. Review status: criteria provided, single submitter. Criteria: LabCorp Variant Classification Summary - May 2015. Collection method: clinical testing. Allele origin: germline.
Comment: Variant summary: SPRED2 c.588+14delC alters a nucleotide located at a position not widely known to affect splicing. Consensus agreement among computation tools predict no significant impact on normal splicing. However, these predictions have yet to be confirmed by functional studies. The variant allele was found at a frequency of 0.0029 in 233656 control chromosomes in the gnomAD database, including 2 homozygotes. The observed variant frequency exceeds the estimated maximal expected allele frequency for disease-causing variants in SPRED2. To our knowledge, no occurrence of c.588+14delC in individuals affected with SPRED2-related conditions and no experimental evidence demonstrating its impact on protein function have been reported. No submitters have cited clinical-significance assessments for this variant to ClinVar. Based on the evidence outlined above, the variant was classified as benign.